The following is an entry in ClinVar:

NM_000051.4(ATM):c.910G>T (p.Glu304Ter)

Gene: ATM (ATM serine/threonine kinase; plus strand). Cytogenetic location: 11q22.3.
Variant type: single nucleotide variant.
Coding change: c.910G>T on transcript NM_000051.4 (MANE Select); coding-DNA position 910, G replaced by T.
Protein change: p.Glu304Ter; replaces glutamic acid 304 with a stop codon.
Molecular consequence: nonsense.
Genome position (GRCh38, 1-based): chr11:108,246,972, G>T. VCF-style: chr11-108246972-G-T. GRCh37 (hg19) VCF-style: chr11-108117699-G-T.
Other names: c.910G>T, p.Glu304Ter (NM_001351834.2); short protein forms E304*.
Identifiers: ClinVar variation 3659070 (VCV003659070.2).

ClinVar aggregate classification (germline): Pathogenic (1 of 4 stars; one submission).

Conditions:
Ataxia-telangiectasia syndrome (AT). Also called: LOUIS-BAR SYNDROME; Cerebello-oculocutaneous telangiectasia; Immunodeficiency with ataxia telangiectasia; ATAXIA-TELANGIECTASIA, COMPLEMENTATION GROUP A; ATAXIA-TELANGIECTASIA, FRESNO VARIANT; Ataxia-telangiectasia, complementation group D. Identifiers: Orphanet 100, MedGen C0004135, MONDO:0008840, OMIM 208900.

gnomAD v4.1: 1 of 1,610,106 alleles (0.000062%); highest among the groups gnomAD compares: South Asian, 0.0011%; no homozygotes.

Submission:

Labcorp Genetics (formerly Invitae), Labcorp
Classification: Pathogenic for Ataxia-telangiectasia syndrome. Last evaluated: 2024-07-09. Review status: criteria provided, single submitter. Criteria: Invitae Variant Classification Sherloc (09022015). Collection method: clinical testing. Allele origin: germline.
Comment: This sequence change creates a premature translational stop signal (p.Glu304*) in the ATM gene. It is expected to result in an absent or disrupted protein product. Loss-of-function variants in ATM are known to be pathogenic (PMID: 23807571, 25614872). This variant is not present in population databases (gnomAD no frequency). This variant has not been reported in the literature in individuals affected with ATM-related conditions. For these reasons, this variant has been classified as Pathogenic.

Literature cited by the submitters: PubMed 23807571; PubMed 25614872.